The following is an entry in ClinVar:

ClinVar aggregate classification (germline): Likely pathogenic (1 of 4 stars; one submission).

Submission:

Labcorp Genetics (formerly Invitae), Labcorp
Classification: Likely pathogenic. Last evaluated: 2024-10-28. Review status: criteria provided, single submitter. Criteria: Invitae Variant Classification Sherloc (09022015). Collection method: clinical testing. Allele origin: germline.
Comment: This sequence change affects a donor splice site in intron 21 of the NFKB1 gene. It is expected to disrupt RNA splicing. Variants that disrupt the donor or acceptor splice site typically lead to a loss of protein function (PMID: 16199547), and loss-of-function variants in NFKB1 are known to be pathogenic (PMID: 26279205, 29477724). This variant is not present in population databases (gnomAD no frequency). This variant has not been reported in the literature in individuals affected with NFKB1-related conditions. ClinVar contains an entry for this variant (Variation ID: 2082233). Algorithms developed to predict the effect of sequence changes on RNA splicing suggest that this variant may disrupt the consensus splice site. In summary, the currently available evidence indicates that the variant is pathogenic, but additional data are needed to prove that conclusively. Therefore, this variant has been classified as Likely Pathogenic.

Literature cited by the submitters: PubMed 16199547; PubMed 26279205; PubMed 29477724.

NM_003998.4(NFKB1):c.2419+2T>G

Gene: NFKB1 (nuclear factor kappa B subunit 1; plus strand). Cytogenetic location: 4q24.
Variant type: single nucleotide variant.
Coding change: c.2419+2T>G on transcript NM_003998.4 (MANE Select); the canonical splice donor site of the intron after coding-DNA position 2419, T replaced by G.
Molecular consequence: splice donor variant.
Genome position (GRCh38, 1-based): chr4:102,612,112, T>G. VCF-style: chr4-102612112-T-G. GRCh37 (hg19) VCF-style: chr4-103533269-T-G.
Other names: c.2419+2T>G (NM_001382626.1, NM_001382625.1); c.2416+2T>G (NM_001382627.1, NM_001165412.2, NM_001319226.2); c.2377+2T>G (NM_001382628.1).
Identifiers: ClinVar variation 2082233 (VCV002082233.4), dbSNP rs2476583005, ClinGen allele CA357754556.